The following is an entry in ClinVar:

NM_000271.5(NPC1):c.3478-6T>A

Gene: NPC1 (NPC intracellular cholesterol transporter 1; minus strand). Cytogenetic location: 18q11.2.
Variant type: single nucleotide variant.
Coding change: c.3478-6T>A on transcript NM_000271.5 (MANE Select); 6 bases into the intron before coding-DNA position 3478, T replaced by A.
Molecular consequence: intron variant.
Genome position (GRCh38, 1-based): chr18:23,534,565, A>T on the plus strand (T>A on the coding strand, the complement: NPC1 is on the minus strand). VCF-style: chr18-23534565-A-T. GRCh37 (hg19) VCF-style: chr18-21114529-A-T.
Identifiers: ClinVar variation 808371 (VCV000808371.46), dbSNP rs1376131980, ClinGen allele CA915952487.
Genomic context (GRCh38, chr18:23,534,565, plus strand): 5'-TCACCGTGAACGCTCTGGTTATGTGGCTGCAGAACTCCACGGAGATGCCACAGCTCTGAA[A>T]TAAAGCACTTCCTTTAGGATGGCTCTCTTCCTGTTGAAGACCCTAGGCAGCCACCCCGTT-3'

ClinVar aggregate classification (germline): Uncertain significance. Review status: criteria provided, multiple submitters, no conflicts (2 of 4 stars). 2 submissions from 2 submitters: Uncertain significance (2). Last evaluated 2024-02-20.

Conditions:
Niemann-Pick disease, type C1. Also called: NEUROVISCERAL STORAGE DISEASE WITH VERTICAL SUPRANUCLEAR OPHTHALMOPLEGIA; NIEMANN-PICK DISEASE WITH CHOLESTEROL ESTERIFICATION BLOCK; NIEMANN-PICK DISEASE WITHOUT SPHINGOMYELINASE DEFICIENCY; NIEMANN-PICK DISEASE, CHRONIC NEURONOPATHIC FORM; NIEMANN-PICK DISEASE, VARIANT TYPE C1. Identifiers: Orphanet 646, MedGen C3179455, MONDO:0009757, OMIM 257220.

gnomAD v4.1: 4 of 1,609,176 alleles (0.00025%); highest among the groups gnomAD compares: South Asian, 0.0044%; no homozygotes.

Submissions (2):

Labcorp Genetics (formerly Invitae), Labcorp
Classification: Uncertain significance for Niemann-Pick disease, type C1. Last evaluated: 2024-02-20. Review status: criteria provided, single submitter. Criteria: Invitae Variant Classification Sherloc (09022015). Collection method: clinical testing. Allele origin: germline.
Comment: This sequence change falls in intron 22 of the NPC1 gene. It does not directly change the encoded amino acid sequence of the NPC1 protein. This variant is not present in population databases (gnomAD no frequency). This variant has not been reported in the literature in individuals affected with NPC1-related conditions. ClinVar contains an entry for this variant (Variation ID: 808371). Algorithms developed to predict the effect of sequence changes on RNA splicing suggest that this variant may disrupt the consensus splice site. In summary, the available evidence is currently insufficient to determine the role of this variant in disease. Therefore, it has been classified as a Variant of Uncertain Significance.

CeGaT Center for Human Genetics Tuebingen
Classification: Uncertain significance. Last evaluated: 2017-05-01. Review status: criteria provided, single submitter. Criteria: CeGaT Center For Human Genetics Tuebingen Variant Classification Criteria Version 2. Collection method: clinical testing. Allele origin: germline. Affected: yes. Observed: 1 variant allele.